The following is an entry in ClinVar:

ClinVar aggregate classification (germline): Likely pathogenic (1 of 4 stars; one submission).

Conditions:
Hypercholesterolemia, autosomal dominant, type B (FHCL2). Also called: Familial Hypercholesterolemia Type B; APOLIPOPROTEIN B-100, FAMILIAL DEFECTIVE; APOLIPOPROTEIN B-100, FAMILIAL LIGAND-DEFECTIVE; Hyperlipoproteinemia Type IIb; APOB-Related Familial Hypercholesterolemia, Autosomal Dominant; HYPERCHOLESTEROLEMIA, FAMILIAL, DUE TO LIGAND-DEFECTIVE APOLIPOPROTEIN B. Identifiers: MedGen C1704417, MONDO:0007751, OMIM 144010.

Submission:

Institute of Human Genetics, University of Leipzig Medical Center
Classification: Likely pathogenic for Hypercholesterolemia, autosomal dominant, type B. Last evaluated: 2024-05-15. Review status: criteria provided, single submitter. Criteria: ACMG Guidelines, 2015. Collection method: clinical testing. Allele origin: unknown. Inheritance: Autosomal dominant inheritance. Affected: yes.
Comment: Criteria applied: PVS1, PM2_SUP

NM_000384.3(APOB):c.12910C>T (p.Gln4304Ter)

Gene: APOB (apolipoprotein B; minus strand). Cytogenetic location: 2p24.1.
Variant type: single nucleotide variant.
Coding change: c.12910C>T on transcript NM_000384.3 (MANE Select); coding-DNA position 12910, C replaced by T.
Protein change: p.Gln4304Ter; replaces glutamine 4304 with a stop codon.
Molecular consequence: nonsense.
Genome position (GRCh38, 1-based): chr2:21,002,512, G>A on the plus strand (C>T on the coding strand, the complement: APOB is on the minus strand). VCF-style: chr2-21002512-G-A. GRCh37 (hg19) VCF-style: chr2-21225384-G-A.
Other names: short protein forms Q4304*.
Identifiers: ClinVar variation 3358994 (VCV003358994.2).